The following is an entry in ClinVar:

ClinVar aggregate classification (germline): Uncertain significance (1 of 4 stars; one submission).

Conditions:
Arrhythmogenic right ventricular dysplasia 13. Also called: ARRHYTHMOGENIC RIGHT VENTRICULAR CARDIOMYOPATHY 13; Arrhythmogenic right ventricular dysplasia, familial, 13. Identifiers: MedGen C3810138, MONDO:0000908, OMIM 615616.

Allele frequency attached by ClinVar (database versions not stated): TOPMed below 0.00001; gnomAD 0.00001; gnomAD exomes 0.00001.
gnomAD v4.1: 32 of 1,613,636 alleles (0.002%); highest among the groups gnomAD compares: African/African-American, 0.013%; no homozygotes.

Submission:

Labcorp Genetics (formerly Invitae), Labcorp
Classification: Uncertain significance for Arrhythmogenic right ventricular dysplasia 13. Last evaluated: 2025-01-28. Review status: criteria provided, single submitter. Criteria: Invitae Variant Classification Sherloc (09022015). Collection method: clinical testing. Allele origin: germline.
Comment: This sequence change replaces leucine, which is neutral and non-polar, with isoleucine, which is neutral and non-polar, at codon 323 of the CTNNA3 protein (p.Leu323Ile). This variant is present in population databases (rs113836576, gnomAD 0.01%). This variant has not been reported in the literature in individuals affected with CTNNA3-related conditions. ClinVar contains an entry for this variant (Variation ID: 856003). Invitae Evidence Modeling of protein sequence and biophysical properties (such as structural, functional, and spatial information, amino acid conservation, physicochemical variation, residue mobility, and thermodynamic stability) indicates that this missense variant is not expected to disrupt CTNNA3 protein function with a negative predictive value of 80%. In summary, the available evidence is currently insufficient to determine the role of this variant in disease. Therefore, it has been classified as a Variant of Uncertain Significance.

NM_013266.4(CTNNA3):c.967T>A (p.Leu323Ile)

Gene: CTNNA3 (catenin alpha 3; minus strand). Cytogenetic location: 10q21.3.
Variant type: single nucleotide variant.
Coding change: c.967T>A on transcript NM_013266.4 (MANE Select); coding-DNA position 967, T replaced by A.
Protein change: p.Leu323Ile; replaces leucine 323 with isoleucine.
Molecular consequence: missense variant.
Genome position (GRCh38, 1-based): chr10:67,180,397, A>T on the plus strand (T>A on the coding strand, the complement: CTNNA3 is on the minus strand). VCF-style: chr10-67180397-A-T. GRCh37 (hg19) VCF-style: chr10-68940155-A-T.
Other names: c.967T>A, p.Leu323Ile (NM_001127384.3); c.1003T>A, p.Leu335Ile (NM_001291133.2); short protein forms L323I, L335I.
Identifiers: ClinVar variation 856003 (VCV000856003.9), dbSNP rs113836576, ClinGen allele CA209095556.
Genomic context (GRCh38, chr10:67,180,397, plus strand): 5'-GCAGATCCTGAAGAGCCTGGCGAATGGCGTTGCATTCTGCGATAATCCGCTCTCGGTGTA[A>T]GTCCCTCGTACATGAAGAATCCGCCAGCAGAGCAGCCCCACTGATAATGGCTTCAAGGCG-3'
Protein context (NP_037398.2, residues 313-333): LLADSSCTRD[Leu323Ile]HRERIIAECN